The following is an entry in ClinVar:

ClinVar aggregate classification (germline): Benign/Likely benign. Review status: criteria provided, multiple submitters, no conflicts (2 of 4 stars). 12 submissions from 12 submitters: Benign (2); Likely benign (6). 4 of the submissions do not count toward it. Last evaluated 2026-08-01.

Conditions:
SYNE2-related disorder. Also called: SYNE2-related condition.
Emery-Dreifuss muscular dystrophy 5, autosomal dominant (EDMD5). Also called: EMERY-DREIFUSS MUSCULAR DYSTROPHY 5. Identifiers: Orphanet 261, MedGen C2751805, MONDO:0013072, OMIM 612999.

Allele frequency attached by ClinVar (database versions not stated): TOPMed 0.00426; 1000 Genomes Project 30x 0.00328; 1000 Genomes Project 0.00359; gnomAD 0.00411.
gnomAD v4.1: 11,212 of 1,614,120 alleles (0.69%); highest among the groups gnomAD compares: Non-Finnish European, 0.85%; 60 homozygotes.

Submissions (12):

CeGaT Center for Human Genetics Tuebingen
Classification: Likely benign. Last evaluated: 2026-08-01. Review status: criteria provided, single submitter. Criteria: CeGaT Center For Human Genetics Tuebingen Variant Classification Criteria Version 2. Collection method: clinical testing. Allele origin: germline. Affected: yes. Observed: 23 variant alleles.
Comment: SYNE2: BP4, BS2

Labcorp Genetics (formerly Invitae), Labcorp
Classification: Likely benign for Emery-Dreifuss muscular dystrophy 5, autosomal dominant. Last evaluated: 2026-02-01. Review status: criteria provided, single submitter. Criteria: Invitae Variant Classification Sherloc (09022015). Collection method: clinical testing. Allele origin: germline.

Athena Diagnostics
Classification: Benign. Last evaluated: 2024-09-19. Review status: criteria provided, single submitter. Criteria: Athena Diagnostics Criteria. Collection method: clinical testing. Allele origin: unknown.

Mendelics
Classification: Benign for Emery-Dreifuss muscular dystrophy 5, autosomal dominant. Last evaluated: 2023-08-22. Review status: criteria provided, single submitter. Criteria: Mendelics Assertion Criteria 2019. Collection method: clinical testing. Allele origin: germline.

Institute of Human Genetics, University of Leipzig Medical Center
Classification: Likely benign for Emery-Dreifuss muscular dystrophy 5, autosomal dominant. Last evaluated: 2019-01-01. Review status: criteria provided, single submitter. Criteria: ACMG Guidelines, 2015. Collection method: clinical testing. Allele origin: unknown. Affected: yes.

Genetic Services Laboratory, University of Chicago
Classification: Likely benign. Last evaluated: 2018-12-03. Review status: criteria provided, single submitter. Criteria: ACMG Guidelines, 2015. Collection method: clinical testing. Allele origin: germline. Affected: no.

Illumina Laboratory Services, Illumina
Classification: Likely benign for Emery-Dreifuss muscular dystrophy 5, autosomal dominant. Last evaluated: 2017-04-27. Review status: criteria provided, single submitter. Criteria: ICSL Variant Classification Criteria 13 December 2019. Collection method: clinical testing. Allele origin: germline.
Comment: This variant was observed as part of a predisposition screen in an ostensibly healthy population. A literature search was performed for the gene, cDNA change, and amino acid change (where applicable). Publications were found based on this search. The evidence from the literature, in combination with allele frequency data from public databases where available, was sufficient to determine this variant is unlikely to cause disease. Therefore, this variant is classified as likely benign.

Eurofins Ntd Llc (ga)
Classification: Likely benign. Last evaluated: 2016-02-17. Review status: criteria provided, single submitter. Criteria: EGL Classification Definitions 2015. Collection method: clinical testing. Allele origin: germline. Observed: 2 variant alleles, 2 heterozygotes.

PreventionGenetics, part of Exact Sciences
Classification: Benign for SYNE2-related condition. Last evaluated: 2019-04-01. Review status: no assertion criteria provided. Collection method: clinical testing. Allele origin: germline. Not counted in ClinVar's aggregate classification.
Comment: This variant is classified as benign based on ACMG/AMP sequence variant interpretation guidelines (Richards et al. 2015 PMID: 25741868, with internal and published modifications).

OMIM
Classification: Pathogenic for EMERY-DREIFUSS MUSCULAR DYSTROPHY 5. Last evaluated: 2007-12-01. Review status: no assertion criteria provided. Collection method: literature only. Allele origin: germline. Not counted in ClinVar's aggregate classification.

Clinical Genetics, Academic Medical Center
Classification: Likely benign. Review status: no assertion criteria provided. Collection method: clinical testing. Allele origin: germline. Affected: yes. Study: VKGL Data-share Consensus. Not counted in ClinVar's aggregate classification.

Genome Diagnostics Laboratory, University Medical Center Utrecht
Classification: Benign. Review status: no assertion criteria provided. Collection method: clinical testing. Allele origin: germline. Affected: yes. Study: VKGL Data-share Consensus. Not counted in ClinVar's aggregate classification.

Literature cited by the submitters: PubMed 38569934 (cited by Athena Diagnostics); PubMed 32443704 (cited by Athena Diagnostics); PubMed 26645154 (cited by Athena Diagnostics); PubMed 22995991 (cited by Athena Diagnostics); PubMed 17761684 (cited by 3 submitters); PubMed 25214167 (cited by Athena Diagnostics).

NM_182914.3(SYNE2):c.18632C>T (p.Thr6211Met)

Gene: SYNE2 (spectrin repeat containing nuclear envelope protein 2; plus strand). Cytogenetic location: 14q23.2.
Variant type: single nucleotide variant.
Coding change: c.18632C>T on transcript NM_182914.3 (MANE Select); coding-DNA position 18632, C replaced by T.
Protein change: p.Thr6211Met; replaces threonine 6211 with methionine.
Molecular consequence: missense variant.
Genome position (GRCh38, 1-based): chr14:64,210,033, C>T. VCF-style: chr14-64210033-C-T. GRCh37 (hg19) VCF-style: chr14-64676751-C-T.
Other names: T89M; c.18632C>T, p.Thr6211Met (NM_015180.6); short protein forms T6211M.
Identifiers: ClinVar variation 2324 (VCV000002324.62), dbSNP rs36215895, ClinGen allele CA115482.
Genomic context (GRCh38, chr14:64,210,033, plus strand): 5'-CTCAGCTGGAGCTCATCAACAAGCAGTACCGGCGGCTGGCCCGGGAGAACCGCACAGACA[C>T]GGCCAGCAGGCTGAAGCAGATGGTCCACGAGGGCAACCAGCGCTGGGACAACCTTCAGAG-3'
Protein context (NP_878918.2, residues 6201-6221): RRLARENRTD[Thr6211Met]ASRLKQMVHE